The following is an entry in ClinVar:

ClinVar aggregate classification (germline): Uncertain significance (1 of 4 stars; one submission).

Conditions:
Early-infantile DEE. Also called: Early infantile epileptic encephalopathy; Early infantile epileptic encephalopathy with suppression bursts; Ohtahara syndrome. Identifiers: Orphanet 1934, MedGen C0393706, MONDO:0800491.

Allele frequency attached by ClinVar (database versions not stated): ExAC 0.00001; gnomAD exomes below 0.00001.
gnomAD v4.1: 2 of 1,613,654 alleles (0.00012%); highest among the groups gnomAD compares: Non-Finnish European, 0.00017%; no homozygotes.

Submission:

Labcorp Genetics (formerly Invitae), Labcorp
Classification: Uncertain significance for Early-infantile DEE. Last evaluated: 2023-05-25. Review status: criteria provided, single submitter. Criteria: Invitae Variant Classification Sherloc (09022015). Collection method: clinical testing. Allele origin: germline.
Comment: In summary, the available evidence is currently insufficient to determine the role of this variant in disease. Therefore, it has been classified as a Variant of Uncertain Significance. Advanced modeling of protein sequence and biophysical properties (such as structural, functional, and spatial information, amino acid conservation, physicochemical variation, residue mobility, and thermodynamic stability) performed at Invitae indicates that this missense variant is expected to disrupt SCN8A protein function. This variant has not been reported in the literature in individuals affected with SCN8A-related conditions. This variant is present in population databases (rs768214313, gnomAD 0.0009%). This sequence change replaces tyrosine, which is neutral and polar, with histidine, which is basic and polar, at codon 810 of the SCN8A protein (p.Tyr810His).

NM_001330260.2(SCN8A):c.2428T>C (p.Tyr810His)

Gene: SCN8A (sodium voltage-gated channel alpha subunit 8; plus strand). Cytogenetic location: 12q13.13.
Variant type: single nucleotide variant.
Coding change: c.2428T>C on transcript NM_001330260.2 (MANE Select); coding-DNA position 2428, T replaced by C.
Protein change: p.Tyr810His; replaces tyrosine 810 with histidine.
Molecular consequence: missense variant.
Genome position (GRCh38, 1-based): chr12:51,762,560, T>C. VCF-style: chr12-51762560-T-C. GRCh37 (hg19) VCF-style: chr12-52156344-T-C.
Other names: c.2428T>C, p.Tyr810His (NM_001177984.3, NM_001369788.1, NM_014191.4); short protein forms Y810H.
Identifiers: ClinVar variation 2920015 (VCV002920015.3), dbSNP rs768214313, ClinGen allele CA6571476.